The following is an entry in ClinVar:

NM_194248.3(OTOF):c.4809C>A (p.Tyr1603Ter)

Gene: OTOF (otoferlin; minus strand). Cytogenetic location: 2p23.3.
Variant type: single nucleotide variant.
Coding change: c.4809C>A on transcript NM_194248.3 (MANE Select); coding-DNA position 4809, C replaced by A.
Protein change: p.Tyr1603Ter; replaces tyrosine 1603 with a stop codon.
Molecular consequence: nonsense.
Genome position (GRCh38, 1-based): chr2:26,465,020, G>T on the plus strand (C>A on the coding strand, the complement: OTOF is on the minus strand). VCF-style: chr2-26465020-G-T. GRCh37 (hg19) VCF-style: chr2-26687888-G-T.
Other names: c.4809C>A, p.Tyr1603Ter (NM_001287489.2); c.2508C>A, p.Tyr836Ter (NM_004802.4, NM_194323.3); c.2739C>A, p.Tyr913Ter (NM_194322.3); short protein forms Y1603*, Y913*, Y836*.
Identifiers: ClinVar variation 65805 (VCV000065805.7), dbSNP rs143939430, ClinGen allele CA345127.

ClinVar aggregate classification (germline): Pathogenic. Review status: criteria provided, single submitter (1 of 4 stars). 3 submissions from 3 submitters: Pathogenic (1). 2 of the submissions do not count toward it. Last evaluated 2023-02-09.

Conditions:
Autosomal recessive nonsyndromic hearing loss 9. Also called: Deafness, autosomal recessive 9; OTOF-Related Hearing Loss; AUDITORY NEUROPATHY, AUTOSOMAL RECESSIVE, 1, TEMPERATURE-SENSITIVE; NEUROSENSORY NONSYNDROMIC RECESSIVE DEAFNESS 9. Identifiers: Orphanet 90636, MedGen C1832828, MONDO:0010986, OMIM 601071.
Hearing loss, autosomal recessive. Also called: Deafness, autosomal recessive; Autosomal recessive nonsyndromic deafness; Rare autosomal recessive non-syndromic sensorineural deafness type DFNB; Nonsyndromic Hearing Loss, Recessive. Identifiers: Orphanet 90635, Orphanet 90636, MedGen C1846647, MONDO:0019588, OMIM 607197.

Submissions (3):

Labcorp Genetics (formerly Invitae), Labcorp
Classification: Pathogenic. Last evaluated: 2023-02-09. Review status: criteria provided, single submitter. Criteria: Invitae Variant Classification Sherloc (09022015). Collection method: clinical testing. Allele origin: germline.
Comment: The frequency data for this variant in the population databases is considered unreliable, as metrics indicate poor data quality at this position in the gnomAD database. This sequence change creates a premature translational stop signal (p.Tyr1603*) in the OTOF gene. It is expected to result in an absent or disrupted protein product. Loss-of-function variants in OTOF are known to be pathogenic (PMID: 18381613, 19250381, 22575033). This premature translational stop signal has been observed in individual(s) with OTOF-related conditions (PMID: 19250381, 30303587). For these reasons, this variant has been classified as Pathogenic. ClinVar contains an entry for this variant (Variation ID: 65805). This variant is also known as c.2508C>A (p.Tyr836*).

GeneReviews
No classification provided. Condition: Autosomal recessive nonsyndromic hearing loss 9. Review status: no classification provided. Collection method: literature only. Allele origin: unknown. Not counted in ClinVar's aggregate classification.

University of Washington Center for Mendelian Genomics, University of Washington
Classification: Likely pathogenic for non-syndromic autosomal recessive hearing loss. Review status: no assertion criteria provided. Collection method: research. Allele origin: inherited. Affected: yes. Not counted in ClinVar's aggregate classification.

Literature cited by the submitters: PubMed 18381613 (cited by Labcorp Genetics (formerly Invitae), Labcorp); PubMed 19250381 (cited by Labcorp Genetics (formerly Invitae), Labcorp and GeneReviews); PubMed 22575033 (cited by Labcorp Genetics (formerly Invitae), Labcorp); PubMed 30303587 (cited by Labcorp Genetics (formerly Invitae), Labcorp and University of Washington Center for Mendelian Genomics, University of Washington); PubMed 20301429 (cited by GeneReviews); NCBI Bookshelf NBK1251 (cited by GeneReviews).